The following is an entry in ClinVar:

NM_001042492.3(NF1):c.7019_7024del (p.Gln2340_Asn2341del)

Gene: NF1 (neurofibromin 1; plus strand). Cytogenetic location: 17q11.2.
Variant type: Deletion.
Coding change: c.7019_7024del on transcript NM_001042492.3 (MANE Select); coding-DNA positions 7019 to 7024, 6 bases deleted (AAAACC; older notation c.7019_7024delAAAACC).
Protein change: p.Gln2340_Asn2341del.
Molecular consequence: inframe deletion.
Genome position (GRCh38, 1-based): chr17:31,340,602-31,340,607, AAAACC deleted; deleting any 6 consecutive bases within chr17:31,340,601-31,340,607 gives the same sequence; the c. name uses the placement nearest the transcript's 3' end. VCF-style (leftmost placement, unchanged base first): chr17-31340600-ACAAAAC-A. GRCh37 (hg19) VCF-style: chr17-29667618-ACAAAAC-A.
Other names: c.6956_6961del, p.Gln2319_Asn2320del (NM_000267.4).
Identifiers: ClinVar variation 4860997 (VCV004860997.1).

ClinVar aggregate classification (germline): Uncertain significance (1 of 4 stars; one submission).

Conditions:
Cardiovascular phenotype. Identifiers: MedGen CN230736.
Hereditary cancer-predisposing syndrome. Also called: Neoplastic Syndromes, Hereditary; Tumor predisposition; Hereditary Cancer Syndrome; Hereditary neoplastic syndrome. Identifiers: Orphanet 140162, MedGen C0027672, MeSH D009386, MONDO:0015356.

Submission:

Ambry Genetics
Classification: Uncertain significance for Cardiovascular phenotype; Hereditary cancer-predisposing syndrome. Last evaluated: 2026-06-12. Review status: criteria provided, single submitter. Criteria: Ambry Variant Classification Scheme 2023. Collection method: clinical testing. Allele origin: germline.
Comment: The c.6956_6961delAAAACC variant (also known as p.Q2319_N2320del) is located in coding exon 46 of the NF1 gene. This variant results from an in-frame AAAACC deletion at nucleotide positions 6956 to 6961. This results in the in-frame deletion of two amino acids at codons 2319 and 2320. This amino acid region is highly conserved in available vertebrate species. In addition, this variant is predicted to be deleterious by in silico analysis (Choi Y et al. PLoS ONE. 2012; 7(10):e46688). Based on the available evidence, the clinical significance of this variant remains unclear.